The following is an entry in ClinVar:

NM_000722.4(CACNA2D1):c.1982C>T (p.Ser661Leu)

Gene: CACNA2D1 (calcium voltage-gated channel auxiliary subunit alpha2delta 1; minus strand). Cytogenetic location: 7q21.11.
Variant type: single nucleotide variant.
Coding change: c.1982C>T on transcript NM_000722.4 (MANE Select); coding-DNA position 1982, C replaced by T.
Protein change: p.Ser661Leu; replaces serine 661 with leucine.
Molecular consequence: missense variant.
Genome position (GRCh38, 1-based): chr7:81,974,526, G>A on the plus strand (C>T on the coding strand, the complement: CACNA2D1 is on the minus strand). VCF-style: chr7-81974526-G-A. GRCh37 (hg19) VCF-style: chr7-81603842-G-A.
Other names: c.2018C>T, p.Ser673Leu (NM_001366867.1); short protein forms S661L, S673L.
Identifiers: ClinVar variation 3232255 (VCV003232255.1), dbSNP rs779137994, ClinGen allele CA4317785.

ClinVar aggregate classification (germline): Uncertain significance (1 of 4 stars; one submission).

Conditions:
Cardiovascular phenotype. Identifiers: MedGen CN230736.

Allele frequency attached by ClinVar (database versions not stated): gnomAD 0.00003.
gnomAD v4.1: 12 of 1,558,502 alleles (0.00077%); highest among the groups gnomAD compares: African/African-American, 0.0014%; no homozygotes.

Submission:

Ambry Genetics
Classification: Uncertain significance for Cardiovascular phenotype. Last evaluated: 2023-11-22. Review status: criteria provided, single submitter. Criteria: Ambry Variant Classification Scheme 2023. Collection method: clinical testing. Allele origin: germline.
Comment: The p.S661L variant (also known as c.1982C>T), located in coding exon 25 of the CACNA2D1 gene, results from a C to T substitution at nucleotide position 1982. The serine at codon 661 is replaced by leucine, an amino acid with dissimilar properties. This amino acid position is highly conserved in available vertebrate species. In addition, this alteration is predicted to be tolerated by in silico analysis. The evidence for this gene-disease relationship is limited; therefore, the clinical significance of this alteration is unclear.